The following is an entry in ClinVar:

ClinVar aggregate classification (germline): Likely pathogenic (1 of 4 stars; one submission).

Conditions:
Tuberous sclerosis 1 (TSC1). Identifiers: Orphanet 805, MedGen C1854465, MONDO:0008612, OMIM 191100.

Submission:

3billion
Classification: Likely pathogenic for Tuberous sclerosis 1. Last evaluated: 2024-12-31. Review status: criteria provided, single submitter. Criteria: ACMG Guidelines, 2015. Collection method: clinical testing. Allele origin: germline. Affected: yes.
Comment: The variant is not observed in the gnomAD v4.1.0 dataset. Predicted Consequence/Location: Frameshift: predicted to result in a loss or disruption of normal protein function through nonsense-mediated decay (NMD) or protein truncation. Multiple pathogenic variants are reported downstream of the variant. Therefore, this variant is classified as Likely pathogenic according to the recommendation of ACMG/AMP guideline.

NM_000368.5(TSC1):c.552_553del (p.Tyr185fs)

Gene: TSC1 (TSC complex subunit 1; minus strand). Cytogenetic location: 9q34.13.
Variant type: Microsatellite.
Coding change: c.552_553del on transcript NM_000368.5 (MANE Select); coding-DNA positions 552 to 553, 2 bases deleted (GT; older notation c.552_553delGT).
Protein change: p.Tyr185fs; shifts the reading frame from tyrosine 185.
Molecular consequence: frameshift variant. On other transcripts: 5 prime UTR variant (5), non-coding transcript variant (5).
Genome position (GRCh38, 1-based): chr9:132,921,929-132,921,930, AC deleted on the plus strand (GT on the coding strand, the reverse complement: TSC1 is on the minus strand); deleting any 2 consecutive bases within chr9:132,921,929-132,921,934 gives the same sequence; the c. name uses the placement nearest the transcript's 3' end. VCF-style (leftmost placement, unchanged base first): chr9-132921928-TAC-T. GRCh37 (hg19) VCF-style: chr9-135797315-TAC-T.
Other names: c.189_190del, p.Tyr64fs (NM_001406622.1, NM_001406623.1, NM_001406624.1 and 10 more transcripts); c.-330GT[2] (NM_001406626.1, NM_001406627.1, NM_001406628.1); c.-472GT[2] (NM_001406629.1); c.-546GT[2] (NM_001406630.1); c.552_553del, p.Tyr185fs (NM_001162426.2, NM_001406592.1, NM_001406593.1 and 16 more transcripts); c.399_400del, p.Tyr134fs (NM_001162427.2, NM_001406610.1, NM_001406611.1 and 2 more transcripts); short protein forms Y134fs, Y185fs, Y64fs.
Identifiers: ClinVar variation 4294036 (VCV004294036.1).